The following is an entry in ClinVar:

ClinVar aggregate classification (germline): Uncertain significance (1 of 4 stars; one submission).

Conditions:
Hereditary cancer-predisposing syndrome. Also called: Neoplastic Syndromes, Hereditary; Tumor predisposition; Hereditary Cancer Syndrome; Hereditary neoplastic syndrome. Identifiers: Orphanet 140162, MedGen C0027672, MeSH D009386, MONDO:0015356.

Submission:

Ambry Genetics
Classification: Uncertain significance for Hereditary cancer-predisposing syndrome. Last evaluated: 2026-04-12. Review status: criteria provided, single submitter. Criteria: Ambry Variant Classification Scheme 2023. Collection method: clinical testing. Allele origin: germline.
Comment: The p.V47A variant (also known as c.140T>C), located in coding exon 3 of the POT1 gene, results from a T to C substitution at nucleotide position 140. The valine at codon 47 is replaced by alanine, an amino acid with similar properties. This amino acid position is conserved. In addition, the in silico prediction for this alteration is inconclusive. Based on the available evidence, the clinical significance of this variant remains unclear.

NM_015450.3(POT1):c.140T>C (p.Val47Ala)

Gene: POT1 (protection of telomeres 1; minus strand). Cytogenetic location: 7q31.33.
Variant type: single nucleotide variant.
Coding change: c.140T>C on transcript NM_015450.3 (MANE Select); coding-DNA position 140, T replaced by C.
Protein change: p.Val47Ala; replaces valine 47 with alanine.
Molecular consequence: missense variant. On other transcripts: non-coding transcript variant (3), intron variant (1).
Genome position (GRCh38, 1-based): chr7:124,871,026, A>G on the plus strand (T>C on the coding strand, the complement: POT1 is on the minus strand). VCF-style: chr7-124871026-A-G. GRCh37 (hg19) VCF-style: chr7-124511080-A-G.
Other names: c.-138-7386T>C (NM_001042594.2); short protein forms V47A.
Identifiers: ClinVar variation 4862387 (VCV004862387.1).
Genomic context (GRCh38, chr7:124,871,026, plus strand): 5'-TCATAGTTTCCACTAAAGAGCAGGCAAGTTAGTTTTACATTTGTCTGGTCCACAATAGTT[A>G]CAACTGAGCAATAATCTGGAAAACACAAAAATATTTTACCTGACTTTCAATATTTTAAAG-3'
Protein context (NP_056265.2, residues 37-57): LSKGTDYCSV[Val47Ala]TIVDQTNVKL